The following is an entry in ClinVar:

NM_138694.4(PKHD1):c.2934G>A (p.Gln978=)

Gene: PKHD1 (PKHD1 ciliary IPT domain containing fibrocystin/polyductin; minus strand). Cytogenetic location: 6p12.2.
Variant type: single nucleotide variant.
Coding change: c.2934G>A on transcript NM_138694.4 (MANE Select); coding-DNA position 2934, G replaced by A.
Protein change: p.Gln978=; no amino-acid change (glutamine 978 retained).
Molecular consequence: synonymous variant.
Genome position (GRCh38, 1-based): chr6:52,043,022, C>T on the plus strand (G>A on the coding strand, the complement: PKHD1 is on the minus strand). VCF-style: chr6-52043022-C-T. GRCh37 (hg19) VCF-style: chr6-51907820-C-T.
Other names: c.2934G>A, p.Gln978= (NM_170724.3).
Identifiers: ClinVar variation 500387 (VCV000500387.24), dbSNP rs536715802, ClinGen allele CA3853074.

ClinVar aggregate classification (germline): Benign/Likely benign. Review status: criteria provided, multiple submitters, no conflicts (2 of 4 stars). 7 submissions from 7 submitters: Benign (1); Likely benign (4). 2 of the submissions do not count toward it. Last evaluated 2026-07-01.

Conditions:
Polycystic kidney disease 4 (PKD4). Also called: Autosomal Recessive Polycystic Kidney Disease – PKHD1; POLYCYSTIC KIDNEY AND HEPATIC DISEASE 1; POLYCYSTIC KIDNEY DISEASE, INFANTILE, TYPE I; POLYCYSTIC KIDNEY DISEASE 4 WITH OR WITHOUT POLYCYSTIC LIVER DISEASE; PKD3. Identifiers: MedGen C4540575, MONDO:0033004, OMIM 263200.
Autosomal recessive polycystic kidney disease (ARPKD). Also called: AR polycystic kidney disease. Identifiers: Orphanet 731, Orphanet 8378, MedGen C0085548, MeSH D017044, MONDO:0009889.
PKHD1-related disorder. Also called: PKHD1-related condition.

Allele frequency attached by ClinVar (database versions not stated): 1000 Genomes Project 30x 0.00047; 1000 Genomes Project 0.00060; gnomAD exomes 0.00070 and 0.00035; gnomAD below 0.00001 and 0.00017; TOPMed 0.00002; ExAC 0.00081.
gnomAD v4.1: 543 of 1,614,066 alleles (0.034%); highest among the groups gnomAD compares: South Asian, 0.56%; 6 homozygotes.

Submissions (7):

CeGaT Center for Human Genetics Tuebingen
Classification: Likely benign. Last evaluated: 2026-07-01. Review status: criteria provided, single submitter. Criteria: CeGaT Center For Human Genetics Tuebingen Variant Classification Criteria Version 2. Collection method: clinical testing. Allele origin: germline. Affected: yes. Observed: 1 variant allele.
Comment: PKHD1: BP4, BP7

Labcorp Genetics (formerly Invitae), Labcorp
Classification: Benign for Autosomal recessive polycystic kidney disease. Last evaluated: 2026-01-28. Review status: criteria provided, single submitter. Criteria: Invitae Variant Classification Sherloc (09022015). Collection method: clinical testing. Allele origin: germline.

Blueprint Genetics
Classification: Likely benign. Last evaluated: 2024-09-23. Review status: criteria provided, single submitter. Criteria: ACMG Guidelines, 2015. Collection method: clinical testing. Allele origin: germline.

Fulgent Genetics
Classification: Likely benign for Polycystic kidney disease 4. Last evaluated: 2021-12-23. Review status: criteria provided, single submitter. Criteria: ACMG Guidelines, 2015. Collection method: clinical testing. Allele origin: unknown.

Eurofins Ntd Llc (ga)
Classification: Likely benign. Last evaluated: 2017-02-07. Review status: criteria provided, single submitter. Criteria: EGL Classification Definitions 2015. Collection method: clinical testing. Allele origin: germline. Observed: 1 variant allele, 1 heterozygote.

PreventionGenetics, part of Exact Sciences
Classification: Likely benign for PKHD1-related condition. Last evaluated: 2021-07-12. Review status: no assertion criteria provided. Collection method: clinical testing. Allele origin: germline. Not counted in ClinVar's aggregate classification.
Comment: This variant is classified as likely benign based on ACMG/AMP sequence variant interpretation guidelines (Richards et al. 2015 PMID: 25741868, with internal and published modifications).

Natera, Inc.
Classification: Likely benign for Autosomal recessive polycystic kidney disease. Last evaluated: 2017-10-16. Review status: no assertion criteria provided. Collection method: clinical testing. Allele origin: germline. Not counted in ClinVar's aggregate classification.